The following is an entry in ClinVar:

ClinVar aggregate classification (germline): Uncertain significance (1 of 4 stars; one submission).

Conditions:
Cardiovascular phenotype. Identifiers: MedGen CN230736.

gnomAD v4.1: 3 of 1,540,024 alleles (0.00019%); highest among the groups gnomAD compares: East Asian, 0.0025%; no homozygotes.

Submission:

Ambry Genetics
Classification: Uncertain significance for Cardiovascular phenotype. Last evaluated: 2024-11-02. Review status: criteria provided, single submitter. Criteria: Ambry Variant Classification Scheme 2023. Collection method: clinical testing. Allele origin: germline.
Comment: The p.V76F variant (also known as c.226G>T), located in coding exon 2 of the RBM20 gene, results from a G to T substitution at nucleotide position 226. The valine at codon 76 is replaced by phenylalanine, an amino acid with highly similar properties. This amino acid position is conserved. In addition, the in silico prediction for this alteration is inconclusive. Based on the available evidence, the clinical significance of this variant remains unclear.

NM_001134363.3(RBM20):c.226G>T (p.Val76Phe)

Gene: RBM20 (RNA binding motif protein 20; plus strand). Cytogenetic location: 10q25.2.
Variant type: single nucleotide variant.
Coding change: c.226G>T on transcript NM_001134363.3 (MANE Select); coding-DNA position 226, G replaced by T.
Protein change: p.Val76Phe; replaces valine 76 with phenylalanine.
Molecular consequence: missense variant.
Genome position (GRCh38, 1-based): chr10:110,780,835, G>T. VCF-style: chr10-110780835-G-T. GRCh37 (hg19) VCF-style: chr10-112540593-G-T.
Other names: short protein forms V76F.
Identifiers: ClinVar variation 3431220 (VCV003431220.1).
Genomic context (GRCh38, chr10:110,780,835, plus strand): 5'-GCATCTAGACCTCTGTCTTCCCACAGTGCCGCCAAGCTCCTGGACAAGAACCCATTCTCG[G>T]TCAGTAACCCGAACCCTCTGCTTCCTTCACCTGCCAGTCTCCAGCTGGCTCAACTGCAGG-3'
Protein context (NP_001127835.2, residues 66-86): AKLLDKNPFS[Val76Phe]SNPNPLLPSP